The following is an entry in ClinVar:

NM_022114.4(PRDM16):c.590T>G (p.Ile197Ser)

Gene: PRDM16 (PR/SET domain 16; plus strand). Cytogenetic location: 1p36.32.
Variant type: single nucleotide variant.
Coding change: c.590T>G on transcript NM_022114.4 (MANE Select); coding-DNA position 590, T replaced by G.
Protein change: p.Ile197Ser; replaces isoleucine 197 with serine.
Molecular consequence: missense variant.
Genome position (GRCh38, 1-based): chr1:3,396,507, T>G. VCF-style: chr1-3396507-T-G. GRCh37 (hg19) VCF-style: chr1-3313071-T-G.
Other names: c.590T>G, p.Ile197Ser (NM_199454.3); short protein forms I197S.
Identifiers: ClinVar variation 1512448 (VCV001512448.8), dbSNP rs2100630398, ClinGen allele CA338001901.

ClinVar aggregate classification (germline): Uncertain significance (1 of 4 stars; one submission).

Conditions:
Left ventricular noncompaction 8 (LVNC8). Identifiers: Orphanet 154, Orphanet 54260, MedGen C3809288, MONDO:0014152, OMIM 615373.

Submission:

Labcorp Genetics (formerly Invitae), Labcorp
Classification: Uncertain significance for Left ventricular noncompaction 8. Last evaluated: 2022-03-18. Review status: criteria provided, single submitter. Criteria: Invitae Variant Classification Sherloc (09022015). Collection method: clinical testing. Allele origin: germline.
Comment: Algorithms developed to predict the effect of missense changes on protein structure and function are either unavailable or do not agree on the potential impact of this missense change (SIFT: "Deleterious"; PolyPhen-2: "Possibly Damaging"; Align-GVGD: "Class C0"). Algorithms developed to predict the effect of sequence changes on RNA splicing suggest that this variant may create or strengthen a splice site. In summary, the available evidence is currently insufficient to determine the role of this variant in disease. Therefore, it has been classified as a Variant of Uncertain Significance. This variant has not been reported in the literature in individuals affected with PRDM16-related conditions. This sequence change replaces isoleucine, which is neutral and non-polar, with serine, which is neutral and polar, at codon 197 of the PRDM16 protein (p.Ile197Ser). This variant is not present in population databases (gnomAD no frequency).